The following is an entry in ClinVar:

NM_004168.4(SDHA):c.1794+1dup

Gene: SDHA (succinate dehydrogenase complex flavoprotein subunit A; plus strand). Cytogenetic location: 5p15.33.
Variant type: Duplication.
Coding change: c.1794+1dup on transcript NM_004168.4 (MANE Select); the canonical splice donor site of the intron after coding-DNA position 1794, one base duplicated (G; older notation c.1794+1dupG).
Molecular consequence: splice donor variant. On other transcripts: intron variant (1).
Genome position (GRCh38, 1-based): chr5:251,469, G duplicated; the last of 2 consecutive G bases (chr5:251,468-251,469); duplicating either gives the same sequence. VCF-style (leftmost placement, unchanged base first): chr5-251467-A-AG. GRCh37 (hg19) VCF-style: chr5-251582-A-AG.
Other names: c.1552-2924dup (NM_001330758.2); c.1650+1dup (NM_001294332.2).
Identifiers: ClinVar variation 3316832 (VCV003316832.1).

ClinVar aggregate classification (germline): Likely pathogenic (1 of 4 stars; one submission).

Conditions:
Hereditary cancer-predisposing syndrome. Also called: Neoplastic Syndromes, Hereditary; Tumor predisposition; Hereditary neoplastic syndrome; Hereditary Cancer Syndrome. Identifiers: Orphanet 140162, MedGen C0027672, MeSH D009386, MONDO:0015356.

Submission:

Ambry Genetics
Classification: Likely pathogenic for Hereditary cancer-predisposing syndrome. Last evaluated: 2024-04-22. Review status: criteria provided, single submitter. Criteria: Ambry Variant Classification Scheme 2023. Collection method: clinical testing. Allele origin: germline.
Comment: The c.1794+1dupG intronic variant, results from a duplication of one nucleotide at nucleotide position 1794+1 after coding exon 12 of the SDHA gene. This nucleotide position is highly conserved in available vertebrate species. In silico splice site analysis predicts that this alteration will weaken the native splice donor site and will result in the creation or strengthening of a novel splice donor site; however, direct evidence is insufficient at this time (Ambry internal data). This variant is considered to be rare based on population cohorts in the Genome Aggregation Database (gnomAD). Alterations that disrupt the canonical splice site are expected to cause aberrant splicing, resulting in an abnormal protein or a transcript that is subject to nonsense-mediated mRNA decay. As such, this alteration is classified as likely pathogenic.